The following is an entry in ClinVar:

NM_001114753.3(ENG):c.1687-1G>A

Genes: ENG (endoglin; minus strand), LOC102723566 (uncharacterized LOC102723566; plus strand). Cytogenetic location: 9q34.11.
Variant type: single nucleotide variant.
Coding change: c.1687-1G>A on transcript NM_001114753.3 (MANE Select); the canonical splice acceptor site of the intron before coding-DNA position 1687, G replaced by A.
Molecular consequence: splice acceptor variant. On other transcripts: non-coding transcript variant (1).
Genome position (GRCh38, 1-based): chr9:127,817,204, C>T on the plus strand (G>A on the coding strand, the complement: ENG is on the minus strand). VCF-style: chr9-127817204-C-T. GRCh37 (hg19) VCF-style: chr9-130579483-C-T.
Other names: c.1687-1G>A (NM_000118.4, NM_001114753.1); c.1141-1G>A (NM_001278138.2).
Identifiers: ClinVar variation 1331646 (VCV001331646.14), dbSNP rs1554809106, ClinGen allele CA374973828.

ClinVar aggregate classification (germline): Pathogenic/Likely pathogenic. Review status: criteria provided, multiple submitters, no conflicts (2 of 4 stars). 4 submissions from 4 submitters: Pathogenic (1); Likely pathogenic (3). Last evaluated 2023-10-09.

Conditions:
Cardiovascular phenotype. Identifiers: MedGen CN230736.
Hereditary hemorrhagic telangiectasia (HHT). Also called: ORW DISEASE; Osler Weber Rendu syndrome; OSLER-RENDU-WEBER DISEASE; Osler hemorrhagic telangiectasia syndrome. Identifiers: Orphanet 774, MedGen C0039445, MONDO:0019180. Disease mechanism: loss of function.
Telangiectasia, hereditary hemorrhagic, type 1 (HHT1). Also called: Osler Weber Rendu syndrome type 1; ENG-Related Hereditary Hemorrhagic Telangiectasia. Identifiers: Orphanet 774, MedGen C4551861, MONDO:0008535, OMIM 187300. Disease mechanism: loss of function.

Submissions (4):

Labcorp Genetics (formerly Invitae), Labcorp
Classification: Pathogenic for Hereditary hemorrhagic telangiectasia. Last evaluated: 2023-10-09. Review status: criteria provided, single submitter. Criteria: Invitae Variant Classification Sherloc (09022015). Collection method: clinical testing. Allele origin: germline.
Comment: This sequence change affects an acceptor splice site in intron 12 of the ENG gene. It is expected to disrupt RNA splicing. Variants that disrupt the donor or acceptor splice site typically lead to a loss of protein function (PMID: 16199547), and loss-of-function variants in ENG are known to be pathogenic (PMID: 15879500). This variant is not present in population databases (gnomAD no frequency). Disruption of this splice site has been observed in individual(s) with hereditary hemorrhagic telangiectasia (PMID: 30701124; Invitae). ClinVar contains an entry for this variant (Variation ID: 1331646). Algorithms developed to predict the effect of sequence changes on RNA splicing suggest that this variant may disrupt the consensus splice site. For these reasons, this variant has been classified as Pathogenic.

Fulgent Genetics
Classification: Likely pathogenic for Telangiectasia, hereditary hemorrhagic, type 1. Last evaluated: 2021-11-11. Review status: criteria provided, single submitter. Criteria: ACMG Guidelines, 2015. Collection method: clinical testing. Allele origin: unknown.

Greenwood Genetic Center Diagnostic Laboratories, Greenwood Genetic Center
Classification: Likely pathogenic. Last evaluated: 2021-01-13. Review status: criteria provided, single submitter. Criteria: ACMG Guidelines, 2015. Collection method: clinical testing. Allele origin: germline. Affected: yes.
Comment: PVS1, PM2

Ambry Genetics
Classification: Likely pathogenic for Cardiovascular phenotype. Last evaluated: 2017-04-15. Review status: criteria provided, single submitter. Criteria: Ambry Variant Classification Scheme 2023. Collection method: clinical testing. Allele origin: germline.
Comment: The c.1687-1G>A intronic variant results from a G to A substitution one nucleotide upstream from coding exon 13 of the ENG gene. This nucleotide position is highly conserved in available vertebrate species. Using the BDGP and ESEfinder splice site prediction tools, this alteration is predicted to weaken the efficiency of the native splice acceptor site; however, direct evidence is unavailable. Alterations that disrupt the canonical splice site are expected to cause aberrant splicing, resulting in an abnormal protein or a transcript that is subject to nonsense-mediated mRNA decay. As such, this alteration is classified as likely pathogenic.

Literature cited by the submitters: PubMed 16199547 (cited by Labcorp Genetics (formerly Invitae), Labcorp); PubMed 15879500 (cited by Labcorp Genetics (formerly Invitae), Labcorp); PubMed 30701124 (cited by Labcorp Genetics (formerly Invitae), Labcorp).